The following is an entry in ClinVar:

ClinVar aggregate classification (germline): Conflicting classifications of pathogenicity. Review status: criteria provided, conflicting classifications (1 of 4 stars). 2 submissions from 2 submitters: Uncertain significance (1); Likely benign (1). Last evaluated 2023-06-02.

Conditions:
Developmental and epileptic encephalopathy, 12 (DEE12). Identifiers: MedGen C3150988, MONDO:0013389, OMIM 613722.

Allele frequency attached by ClinVar (database versions not stated): gnomAD exomes 0.00001; gnomAD 0.00002.
gnomAD v4.1: 15 of 1,586,386 alleles (0.00095%); highest among the groups gnomAD compares: Non-Finnish European, 0.0013%; no homozygotes.

Submissions (2):

GeneDx
Classification: Uncertain significance. Last evaluated: 2023-06-02. Review status: criteria provided, single submitter. Criteria: GeneDx Variant Classification Process June 2021. Collection method: clinical testing. Allele origin: germline. Affected: yes.
Comment: Not observed at significant frequency in large population cohorts (gnomAD); In silico analysis supports that this variant does not alter splicing; Has not been previously published as pathogenic or benign to our knowledge

Labcorp Genetics (formerly Invitae), Labcorp
Classification: Likely benign for Developmental and epileptic encephalopathy, 12. Last evaluated: 2022-03-06. Review status: criteria provided, single submitter. Criteria: Invitae Variant Classification Sherloc (09022015). Collection method: clinical testing. Allele origin: germline.

NM_015192.4(PLCB1):c.2316C>T (p.His772=)

Gene: PLCB1 (phospholipase C beta 1; plus strand). Cytogenetic location: 20p12.3.
Variant type: single nucleotide variant.
Coding change: c.2316C>T on transcript NM_015192.4 (MANE Select); coding-DNA position 2316, C replaced by T.
Protein change: p.His772=; no amino-acid change (histidine 772 retained).
Molecular consequence: synonymous variant.
Genome position (GRCh38, 1-based): chr20:8,740,351, C>T. VCF-style: chr20-8740351-C-T. GRCh37 (hg19) VCF-style: chr20-8720998-C-T.
Other names: c.2316C>T, p.His772= (NM_182734.3); c.2316C>T (NM_015192.2).
Identifiers: ClinVar variation 2073416 (VCV002073416.5), dbSNP rs925384452, ClinGen allele CA311264228.